The following is an entry in ClinVar:

ClinVar aggregate classification (germline): Pathogenic (1 of 4 stars; one submission).

Conditions:
PPARG-related familial partial lipodystrophy. Also called: LIPODYSTROPHY, FAMILIAL PARTIAL, ASSOCIATED WITH PPARG MUTATIONS. Identifiers: Orphanet 79083, MedGen C1720861, MONDO:0011448, OMIM 604367.

Submission:

Institute of Human Genetics, University of Leipzig Medical Center
Classification: Pathogenic for PPARG-related familial partial lipodystrophy. Last evaluated: 2024-07-05. Review status: criteria provided, single submitter. Criteria: ACMG Guidelines, 2015. Collection method: clinical testing. Allele origin: unknown. Inheritance: Autosomal dominant inheritance. Affected: yes.
Comment: Criteria applied: PVS1,PM2

NM_138711.6(PPARG):c.221-1G>C

Gene: PPARG (peroxisome proliferator activated receptor gamma; plus strand). Cytogenetic location: 3p25.2.
Variant type: single nucleotide variant.
Coding change: c.221-1G>C on transcript NM_138711.6 (MANE Select); the canonical splice acceptor site of the intron before coding-DNA position 221, G replaced by C.
Molecular consequence: splice acceptor variant.
Genome position (GRCh38, 1-based): chr3:12,381,321, G>C. VCF-style: chr3-12381321-G-C. GRCh37 (hg19) VCF-style: chr3-12422820-G-C.
Other names: c.221-1G>C (NM_001354666.3, NM_138712.5, NM_005037.7 and 6 more transcripts); c.-207-1G>C (NM_001354669.2); c.227-1G>C (NM_001374266.1, NM_001354670.2); c.311-1G>C (NM_015869.5, NM_001374265.1, NM_001354668.2).
Identifiers: ClinVar variation 3358997 (VCV003358997.2).